The following is an entry in ClinVar:

ClinVar aggregate classification (germline): Uncertain significance (1 of 4 stars; one submission).

Submission:

Ambry Genetics
Classification: Uncertain significance. Last evaluated: 2026-01-20. Review status: criteria provided, single submitter. Criteria: Ambry Variant Classification Scheme 2023. Collection method: clinical testing. Allele origin: germline.
Comment: The p.K163R variant (also known as c.488A>G), located in coding exon 1 of the CDK12 gene, results from an A to G substitution at nucleotide position 488. The lysine at codon 163 is replaced by arginine, an amino acid with highly similar properties. This amino acid position is conserved. In addition, this alteration is predicted to be tolerated by in silico analysis. Based on the available evidence, the clinical significance of this variant remains unclear.

NM_016507.4(CDK12):c.488A>G (p.Lys163Arg)

Genes: CDK12 (cyclin dependent kinase 12; plus strand), LOC126862553 (CDK7 strongly-dependent group 2 enhancer GRCh37_chr17:37618166-37619365; plus strand). Cytogenetic location: 17q12.
Variant type: single nucleotide variant.
Coding change: c.488A>G on transcript NM_016507.4 (MANE Select); coding-DNA position 488, A replaced by G.
Protein change: p.Lys163Arg; replaces lysine 163 with arginine.
Molecular consequence: missense variant.
Genome position (GRCh38, 1-based): chr17:39,462,559, A>G. VCF-style: chr17-39462559-A-G. GRCh37 (hg19) VCF-style: chr17-37618812-A-G.
Other names: c.488A>G, p.Lys163Arg (NM_015083.4); short protein forms K163R.
Identifiers: ClinVar variation 4844481 (VCV004844481.1).